The following is an entry in ClinVar:

NM_015272.5(RPGRIP1L):c.3220+10T>C

Gene: RPGRIP1L (RPGRIP1 like; minus strand). Cytogenetic location: 16q12.2.
Variant type: single nucleotide variant.
Coding change: c.3220+10T>C on transcript NM_015272.5 (MANE Select); 10 bases into the intron after coding-DNA position 3220, T replaced by C.
Molecular consequence: intron variant.
Genome position (GRCh38, 1-based): chr16:53,637,685, A>G on the plus strand (T>C on the coding strand, the complement: RPGRIP1L is on the minus strand). VCF-style: chr16-53637685-A-G. GRCh37 (hg19) VCF-style: chr16-53671597-A-G.
Other names: c.3118+10T>C (NM_001127897.4, NM_001330538.2); c.3220+10T>C (NM_001308334.3, NM_015272.4).
Identifiers: ClinVar variation 3756220 (VCV003756220.3).
Genomic context (GRCh38, chr16:53,637,685, plus strand): 5'-ATGCATACTCTAACAGATAAAACAAAGCACAGGGTTAACTAAACAATGTTAGTTTAAATA[A>G]GAAAGTCACCTTCTGGTTCCAAGTCCTCTGTTATTTCTGTTTCATCTTCAGAAGATGCCA-3'

ClinVar aggregate classification (germline): Likely benign. Review status: criteria provided, multiple submitters, no conflicts (2 of 4 stars). 2 submissions from 2 submitters: Likely benign (2). Last evaluated 2026-04-03.

Conditions:
RPGRIP1L-related disorder. Also called: RPGRIP1L-related disorders; RPGRIP1L-related condition. Identifiers: MedGen CN239416.
Meckel-Gruber syndrome. Also called: Dysencephalia splachnocystica; DYSENCEPHALIA SPLANCHNOCYSTICA; GRUBER SYNDROME. Identifiers: Orphanet 564, MedGen C0265215, MONDO:0018921.
Joubert syndrome. Also called: Familial aplasia of the vermis; JOUBERT-BOLTSHAUSER SYNDROME. Identifiers: Orphanet 475, MedGen C5979921, MONDO:0018772.

gnomAD v4.1: 1 of 1,605,470 alleles (0.000062%); highest among the groups gnomAD compares: Non-Finnish European, 0.000085%; no homozygotes.

Submissions (2):

PreventionGenetics, part of Exact Sciences
Classification: Likely benign for RPGRIP1L-related condition. Last evaluated: 2026-04-03. Review status: criteria provided, single submitter. Criteria: ACMG Guidelines, 2015. Collection method: clinical testing. Allele origin: germline.
Comment: This variant is classified as likely benign based on ACMG/AMP sequence variant interpretation guidelines (Richards et al. 2015 PMID: 25741868, with internal and published modifications).

Labcorp Genetics (formerly Invitae), Labcorp
Classification: Likely benign for Joubert syndrome; Meckel-Gruber syndrome. Last evaluated: 2024-05-06. Review status: criteria provided, single submitter. Criteria: Invitae Variant Classification Sherloc (09022015). Collection method: clinical testing. Allele origin: germline.